The following is an entry in ClinVar:

ClinVar aggregate classification (germline): Conflicting classifications of pathogenicity. Review status: criteria provided, conflicting classifications (1 of 4 stars). 2 submissions from 2 submitters: Uncertain significance (1); Likely benign (1). Last evaluated 2025-12-23.

Conditions:
Hereditary cancer-predisposing syndrome. Also called: Neoplastic Syndromes, Hereditary; Hereditary Cancer Syndrome; Hereditary neoplastic syndrome; Tumor predisposition. Identifiers: Orphanet 140162, MedGen C0027672, MeSH D009386, MONDO:0015356.
Tumor predisposition syndrome 3 (TPDS3). Also called: Melanoma, cutaneous malignant, susceptibility to, 10; Glioma susceptibility 9; LONG TELOMERE SYNDROME, POT1-RELATED; POT1 Tumor Predisposition. Identifiers: Orphanet 618, MedGen C4014476, MONDO:0014368, OMIM 615848.

gnomAD v4.1: 2 of 1,594,800 alleles (0.00013%); highest among the groups gnomAD compares: East Asian, 0.0045%; no homozygotes.

Submissions (2):

Ambry Genetics
Classification: Likely benign for Hereditary cancer-predisposing syndrome. Last evaluated: 2025-12-23. Review status: criteria provided, single submitter. Criteria: Ambry Variant Classification Scheme 2023. Collection method: clinical testing. Allele origin: germline.

Labcorp Genetics (formerly Invitae), Labcorp
Classification: Uncertain significance for Tumor predisposition syndrome 3. Last evaluated: 2024-03-07. Review status: criteria provided, single submitter. Criteria: Invitae Variant Classification Sherloc (09022015). Collection method: clinical testing. Allele origin: germline.
Comment: This sequence change replaces isoleucine, which is neutral and non-polar, with leucine, which is neutral and non-polar, at codon 455 of the POT1 protein (p.Ile455Leu). This variant is present in population databases (no rsID available, gnomAD 0.006%). This variant has not been reported in the literature in individuals affected with POT1-related conditions. Advanced modeling of protein sequence and biophysical properties (such as structural, functional, and spatial information, amino acid conservation, physicochemical variation, residue mobility, and thermodynamic stability) performed at Invitae indicates that this missense variant is not expected to disrupt POT1 protein function with a negative predictive value of 80%. In summary, the available evidence is currently insufficient to determine the role of this variant in disease. Therefore, it has been classified as a Variant of Uncertain Significance.

NM_015450.3(POT1):c.1363A>T (p.Ile455Leu)

Gene: POT1 (protection of telomeres 1; minus strand). Cytogenetic location: 7q31.33.
Variant type: single nucleotide variant.
Coding change: c.1363A>T on transcript NM_015450.3 (MANE Select); coding-DNA position 1363, A replaced by T.
Protein change: p.Ile455Leu; replaces isoleucine 455 with leucine.
Molecular consequence: missense variant. On other transcripts: non-coding transcript variant (3).
Genome position (GRCh38, 1-based): chr7:124,840,979, T>A on the plus strand (A>T on the coding strand, the complement: POT1 is on the minus strand). VCF-style: chr7-124840979-T-A. GRCh37 (hg19) VCF-style: chr7-124481033-T-A.
Other names: c.970A>T, p.Ile324Leu (NM_001042594.2); c.1363A>T (NM_015450.2); short protein forms I455L, I324L.
Identifiers: ClinVar variation 2961336 (VCV002961336.4), dbSNP rs776965979, ClinGen allele CA369066588.